The following is an entry in ClinVar:

NM_001458.5(FLNC):c.3790+1G>C

Gene: FLNC (filamin C; plus strand). Cytogenetic location: 7q32.1.
Variant type: single nucleotide variant.
Coding change: c.3790+1G>C on transcript NM_001458.5 (MANE Select); the canonical splice donor site of the intron after coding-DNA position 3790, G replaced by C.
Molecular consequence: splice donor variant.
Genome position (GRCh38, 1-based): chr7:128,845,256, G>C. VCF-style: chr7-128845256-G-C. GRCh37 (hg19) VCF-style: chr7-128485310-G-C.
Other names: c.3790+1G>C (NM_001127487.2).
Identifiers: ClinVar variation 2574072 (VCV002574072.1), dbSNP rs1392170803, ClinGen allele CA369198145.

ClinVar aggregate classification (germline): Likely pathogenic (0 of 4 stars; one submission).

Conditions:
Hypertrophic cardiomyopathy 26. Also called: Cardiomyopathy, familial hypertrophic, 26. Identifiers: Orphanet 75249, MedGen C4310749, MONDO:0014883, OMIM 617047.

Submission:

deCODE genetics, Amgen
Classification: Likely pathogenic for Hypertrophic cardiomyopathy 26. Last evaluated: 2023-07-21. Review status: no assertion criteria provided. Collection method: research. Allele origin: germline. Affected: yes. Observed: 1 variant allele.
Comment: The variant NM_001458.5:c.3790+1G>C (chr7:128845256) in FLNC was detected in 1 heterozygote out of 58K WGS Icelanders (MAF= 0,001%). This variant has not been reported in ClinVar previously. Based on ACMG criteria (PVS1, PM2) this variant classifies as likely pathogenic.